The following is an entry in ClinVar:

ClinVar aggregate classification (germline): Benign/Likely benign. Review status: criteria provided, multiple submitters, no conflicts (2 of 4 stars). 4 submissions from 4 submitters: Benign (1); Likely benign (3). Last evaluated 2026-04-24.

Conditions:
Hereditary cancer-predisposing syndrome. Also called: Hereditary neoplastic syndrome; Neoplastic Syndromes, Hereditary; Tumor predisposition; Hereditary Cancer Syndrome. Identifiers: Orphanet 140162, MedGen C0027672, MeSH D009386, MONDO:0015356.
POLD1-related polyposis and colorectal cancer syndrome (CRCS10). Also called: Colorectal cancer, susceptibility to, 10; Colorectal cancer 10; COLORECTAL CANCER, SUSCEPTIBILITY TO, ON CHROMOSOME 19q. Identifiers: Orphanet 220460, MedGen C2675481, MONDO:0012953, OMIM 612591.

Submissions (4):

Ambry Genetics
Classification: Likely benign for Hereditary cancer-predisposing syndrome. Last evaluated: 2026-04-24. Review status: criteria provided, single submitter. Criteria: Ambry Variant Classification Scheme 2023. Collection method: clinical testing. Allele origin: germline.

Labcorp Genetics (formerly Invitae), Labcorp
Classification: Likely benign for POLD1-related polyposis and colorectal cancer syndrome. Last evaluated: 2026-01-20. Review status: criteria provided, single submitter. Criteria: Invitae Variant Classification Sherloc (09022015). Collection method: clinical testing. Allele origin: germline.

Myriad Genetics, Inc.
Classification: Benign for POLD1-related polyposis and colorectal cancer syndrome. Last evaluated: 2025-02-05. Review status: criteria provided, single submitter. Criteria: Myriad Autosomal Dominant, Autosomal Recessive and X-Linked Classification Criteria (2023). Collection method: clinical testing. Allele origin: unknown.
Comment: This variant is considered benign. This variant is a silent/synonymous amino acid change and it is not expected to impact splicing.

Sema4
Classification: Likely benign for Hereditary cancer-predisposing syndrome. Last evaluated: 2021-04-19. Review status: criteria provided, single submitter. Criteria: Sema4 Curation Guidelines. Collection method: curation. Allele origin: germline.

NM_002691.4(POLD1):c.1086C>A (p.Pro362=)

Gene: POLD1 (DNA polymerase delta 1, catalytic subunit; plus strand). Cytogenetic location: 19q13.33.
Variant type: single nucleotide variant.
Coding change: c.1086C>A on transcript NM_002691.4 (MANE Select); coding-DNA position 1086, C replaced by A.
Protein change: p.Pro362=; no amino-acid change (proline 362 retained).
Molecular consequence: synonymous variant. On other transcripts: non-coding transcript variant (1).
Genome position (GRCh38, 1-based): chr19:50,403,168, C>A. VCF-style: chr19-50403168-C-A. GRCh37 (hg19) VCF-style: chr19-50906425-C-A.
Other names: c.1086C>A (NM_002691.2); c.1086C>A, p.Pro362= (NM_001256849.1, NM_001308632.1).
Identifiers: ClinVar variation 1161661 (VCV001161661.12), dbSNP rs1379420694, ClinGen allele CA508182696.